The following is an entry in ClinVar:

NM_005188.4(CBL):c.1829C>A (p.Thr610Lys)

Gene: CBL (Cbl proto-oncogene; plus strand). Cytogenetic location: 11q23.3.
Variant type: single nucleotide variant.
Coding change: c.1829C>A on transcript NM_005188.4 (MANE Select); coding-DNA position 1829, C replaced by A.
Protein change: p.Thr610Lys; replaces threonine 610 with lysine.
Molecular consequence: missense variant.
Genome position (GRCh38, 1-based): chr11:119,285,454, C>A. VCF-style: chr11-119285454-C-A. GRCh37 (hg19) VCF-style: chr11-119156164-C-A.
Other names: p.T610K:ACA>AAA; short protein forms T610K.
Identifiers: ClinVar variation 180809 (VCV000180809.8), dbSNP rs730880427, ClinGen allele CA295968.
Genomic context (GRCh38, chr11:119,285,454, plus strand): 5'-GGCTGCCCCGGCCAATCCCCAAAGTACCAGTATCTGCCCCAAGTTCCAGTGATCCCTGGA[C>A]AGGAAGAGAATTAACCAACCGGCACTCACTTCCATTTTCATTGCCCTCACAAATGGAGCC-3'
Protein context (NP_005179.2, residues 600-620): VSAPSSSDPW[Thr610Lys]GRELTNRHSL

ClinVar aggregate classification (germline): Conflicting classifications of pathogenicity. Review status: criteria provided, conflicting classifications (1 of 4 stars). 4 submissions from 4 submitters: Uncertain significance (3); Likely benign (1). Last evaluated 2025-12-03.

Conditions:
CBL-related disorder. Also called: NOONAN SYNDROME-LIKE DISORDER WITHOUT JUVENILE MYELOMONOCYTIC LEUKEMIA; CBL MUTATION-ASSOCIATED SYNDROME; CBL SYNDROME. Identifiers: Orphanet 363972, MedGen C3150803, MONDO:0013308, OMIM 613563.
Cardiovascular phenotype. Identifiers: MedGen CN230736.
RASopathy. Also called: Noonan spectrum disorder; rasopathies. Identifiers: Orphanet 536391, MedGen C5555857, MONDO:0021060.

Allele frequency attached by ClinVar (database versions not stated): gnomAD exomes below 0.00001; TOPMed below 0.00001; ExAC 0.00001; gnomAD 0.00001.
gnomAD v4.1: 2 of 1,614,068 alleles (0.00012%); highest among the groups gnomAD compares: Non-Finnish European, 0.00017%; no homozygotes.

Submissions (4):

Labcorp Genetics (formerly Invitae), Labcorp
Classification: Uncertain significance for RASopathy. Last evaluated: 2025-12-03. Review status: criteria provided, single submitter. Criteria: Invitae Variant Classification Sherloc (09022015). Collection method: clinical testing. Allele origin: germline.
Comment: This sequence change replaces threonine, which is neutral and polar, with lysine, which is basic and polar, at codon 610 of the CBL protein (p.Thr610Lys). This variant is not present in population databases (gnomAD no frequency). This variant has not been reported in the literature in individuals affected with CBL-related conditions. ClinVar contains an entry for this variant (Variation ID: 180809). Invitae Evidence Modeling of protein sequence and biophysical properties (such as structural, functional, and spatial information, amino acid conservation, physicochemical variation, residue mobility, and thermodynamic stability) indicates that this missense variant is not expected to disrupt CBL protein function with a negative predictive value of 95%. In summary, the available evidence is currently insufficient to determine the role of this variant in disease. Therefore, it has been classified as a Variant of Uncertain Significance.

Ambry Genetics
Classification: Uncertain significance for Cardiovascular phenotype. Last evaluated: 2024-12-06. Review status: criteria provided, single submitter. Criteria: Ambry Variant Classification Scheme 2023. Collection method: clinical testing. Allele origin: germline.
Comment: The p.T610K variant (also known as c.1829C>A), located in coding exon 11 of the CBL gene, results from a C to A substitution at nucleotide position 1829. The threonine at codon 610 is replaced by lysine, an amino acid with similar properties. This amino acid position is conserved. In addition, this alteration is predicted to be tolerated by in silico analysis. Based on the available evidence, the clinical significance of this variant remains unclear.

Illumina Laboratory Services, Illumina
Classification: Uncertain significance for CBL-related disorder. Last evaluated: 2018-01-12. Review status: criteria provided, single submitter. Criteria: ICSL Variant Classification Criteria 13 December 2019. Collection method: clinical testing. Allele origin: germline.

GeneDx
Classification: Likely benign. Last evaluated: 2014-06-03. Review status: criteria provided, single submitter. Criteria: GeneDx Variant Classification (06012015). Collection method: clinical testing. Allele origin: germline. Affected: yes.
Comment: This variant is considered likely benign or benign based on one or more of the following criteria: it is a conservative change, it occurs at a poorly conserved position in the protein, it is predicted to be benign by multiple in silico algorithms, and/or has population frequency not consistent with disease.